The following is an entry in ClinVar:

ClinVar aggregate classification (germline): Uncertain significance. Review status: criteria provided, multiple submitters, no conflicts (2 of 4 stars). 2 submissions from 2 submitters: Uncertain significance (2). Last evaluated 2025-06-03.

Conditions:
Cataract 39 multiple types. Also called: Cataract 39, multiple types, autosomal dominant. Identifiers: Orphanet 91492, MedGen C3808800, MONDO:0014075, OMIM 615188.

Allele frequency attached by ClinVar (database versions not stated): gnomAD exomes below 0.00001 and 0.00001; ExAC 0.00003; TOPMed 0.00004; gnomAD 0.00005 and 0.00006.
gnomAD v4.1: 37 of 1,610,588 alleles (0.0023%); highest among the groups gnomAD compares: Admixed American, 0.012%; no homozygotes.

Submissions (2):

Labcorp Genetics (formerly Invitae), Labcorp
Classification: Uncertain significance for Cataract 39 multiple types. Last evaluated: 2025-06-03. Review status: criteria provided, single submitter. Criteria: Invitae Variant Classification Sherloc (09022015). Collection method: clinical testing. Allele origin: germline.
Comment: This sequence change replaces isoleucine, which is neutral and non-polar, with valine, which is neutral and non-polar, at codon 82 of the CRYGB protein (p.Ile82Val). This variant is present in population databases (rs374476265, gnomAD 0.006%). This variant has not been reported in the literature in individuals affected with CRYGB-related conditions. ClinVar contains an entry for this variant (Variation ID: 474171). An algorithm developed to predict the effect of missense changes on protein structure and function (PolyPhen-2) suggests that this variant is likely to be tolerated. In summary, the available evidence is currently insufficient to determine the role of this variant in disease. Therefore, it has been classified as a Variant of Uncertain Significance.

Ambry Genetics
Classification: Uncertain significance. Last evaluated: 2025-05-19. Review status: criteria provided, single submitter. Criteria: Ambry Variant Classification Scheme 2023. Collection method: clinical testing. Allele origin: germline.

NM_005210.4(CRYGB):c.244A>G (p.Ile82Val)

Genes: CRYGB (crystallin gamma B; minus strand), LOC100507443 (uncharacterized LOC100507443; plus strand). Cytogenetic location: 2q33.3.
Variant type: single nucleotide variant.
Coding change: c.244A>G on transcript NM_005210.4 (MANE Select); coding-DNA position 244, A replaced by G.
Protein change: p.Ile82Val; replaces isoleucine 82 with valine.
Molecular consequence: missense variant.
Genome position (GRCh38, 1-based): chr2:208,145,782, T>C on the plus strand (A>G on the coding strand, the complement: CRYGB is on the minus strand). VCF-style: chr2-208145782-T-C. GRCh37 (hg19) VCF-style: chr2-209010506-T-C.
Other names: short protein forms I82V.
Identifiers: ClinVar variation 474171 (VCV000474171.8), dbSNP rs374476265, ClinGen allele CA2078111.